The following is an entry in ClinVar:

NM_004329.3(BMPR1A):c.931T>A (p.Tyr311Asn)

Gene: BMPR1A (bone morphogenetic protein receptor type 1A; plus strand). Cytogenetic location: 10q23.2.
Variant type: single nucleotide variant.
Coding change: c.931T>A on transcript NM_004329.3 (MANE Select); coding-DNA position 931, T replaced by A.
Protein change: p.Tyr311Asn; replaces tyrosine 311 with asparagine.
Molecular consequence: missense variant. On other transcripts: non-coding transcript variant (3).
Genome position (GRCh38, 1-based): chr10:86,919,234, T>A. VCF-style: chr10-86919234-T-A. GRCh37 (hg19) VCF-style: chr10-88678991-T-A.
Other names: c.1006T>A, p.Tyr336Asn (NM_001406559.1); c.979T>A, p.Tyr327Asn (NM_001406560.1); c.931T>A, p.Tyr311Asn (NM_001406561.1, NM_001406562.1, NM_001406563.1 and 19 more transcripts); c.925T>A, p.Tyr309Asn (NM_001406583.1); c.847T>A, p.Tyr283Asn (NM_001406584.1, NM_001406585.1, NM_001406586.1 and 2 more transcripts); c.589T>A, p.Tyr197Asn (NM_001406589.1); short protein forms Y197N, Y283N, Y309N, Y311N, Y327N, Y336N.
Identifiers: ClinVar variation 3369508 (VCV003369508.1).

ClinVar aggregate classification (germline): Uncertain significance (1 of 4 stars; one submission).

Submission:

GeneDx
Classification: Uncertain significance. Last evaluated: 2024-02-21. Review status: criteria provided, single submitter. Criteria: GeneDx Variant Classification Process June 2021. Collection method: clinical testing. Allele origin: germline. Affected: yes.
Comment: Not observed at significant frequency in large population cohorts (gnomAD); In silico analysis supports that this missense variant has a deleterious effect on protein structure/function; Has not been previously published as pathogenic or benign to our knowledge